The following is an entry in ClinVar:

ClinVar aggregate classification (germline): Uncertain significance (1 of 4 stars; one submission).

Conditions:
Fanconi anemia (FA). Also called: Fanconi's anemia. Identifiers: Orphanet 84, MedGen C0015625, MeSH D005199, MONDO:0019391.

Allele frequency attached by ClinVar (database versions not stated): gnomAD exomes below 0.00001.
gnomAD v4.1: 3 of 1,156,816 alleles (0.00026%); highest among the groups gnomAD compares: South Asian, 0.0037%; no homozygotes.

Submission:

Labcorp Genetics (formerly Invitae), Labcorp
Classification: Uncertain significance for Fanconi anemia. Last evaluated: 2022-08-23. Review status: criteria provided, single submitter. Criteria: Invitae Variant Classification Sherloc (09022015). Collection method: clinical testing. Allele origin: germline.
Comment: Algorithms developed to predict the effect of missense changes on protein structure and function (SIFT, PolyPhen-2, Align-GVGD) all suggest that this variant is likely to be tolerated. ClinVar contains an entry for this variant (Variation ID: 246610). This variant has not been reported in the literature in individuals affected with FANCB-related conditions. This variant is not present in population databases (gnomAD no frequency). This sequence change replaces proline, which is neutral and non-polar, with serine, which is neutral and polar, at codon 448 of the FANCB protein (p.Pro448Ser). In summary, the available evidence is currently insufficient to determine the role of this variant in disease. Therefore, it has been classified as a Variant of Uncertain Significance.

NM_001018113.3(FANCB):c.1342C>T (p.Pro448Ser)

Gene: FANCB (FA complementation group B; minus strand). Cytogenetic location: Xp22.2.
Variant type: single nucleotide variant.
Coding change: c.1342C>T on transcript NM_001018113.3 (MANE Select); coding-DNA position 1342, C replaced by T.
Protein change: p.Pro448Ser; replaces proline 448 with serine.
Molecular consequence: missense variant.
Genome position (GRCh38, 1-based): chrX:14,850,659, G>A on the plus strand (C>T on the coding strand, the complement: FANCB is on the minus strand). VCF-style: chrX-14850659-G-A. GRCh37 (hg19) VCF-style: chrX-14868781-G-A.
Other names: c.1342C>T, p.Pro448Ser (NM_001324162.2, NM_152633.4); short protein forms P448S.
Identifiers: ClinVar variation 246610 (VCV000246610.8), dbSNP rs867778700, ClinGen allele CA10584656.